The following is an entry in ClinVar:

NM_001354604.2(MITF):c.856C>G (p.Pro286Ala)

Gene: MITF (melanocyte inducing transcription factor; plus strand). Cytogenetic location: 3p13.
Variant type: single nucleotide variant.
Coding change: c.856C>G on transcript NM_001354604.2 (MANE Select); coding-DNA position 856, C replaced by G.
Protein change: p.Pro286Ala; replaces proline 286 with alanine.
Molecular consequence: missense variant.
Genome position (GRCh38, 1-based): chr3:69,949,144, C>G. VCF-style: chr3-69949144-C-G. GRCh37 (hg19) VCF-style: chr3-69998295-C-G.
Other names: c.535C>G, p.Pro179Ala (NM_000248.4, NM_198158.3); c.700C>G, p.Pro234Ala (NM_001184967.2, NM_001354608.2); c.853C>G, p.Pro285Ala (NM_001354605.2, NM_001354606.2, NM_006722.3); c.805C>G, p.Pro269Ala (NM_001354607.2); c.856C>G, p.Pro286Ala (NM_198159.3); c.808C>G, p.Pro270Ala (NM_198177.3); c.367C>G, p.Pro123Ala (NM_198178.3); short protein forms P123A, P179A, P234A, P269A, P270A, P285A, P286A.
Identifiers: ClinVar variation 3753920 (VCV003753920.3).

ClinVar aggregate classification (germline): Uncertain significance. Review status: criteria provided, multiple submitters, no conflicts (2 of 4 stars). 2 submissions from 2 submitters: Uncertain significance (2). Last evaluated 2026-02-16.

Conditions:
Hereditary cancer-predisposing syndrome. Also called: Hereditary Cancer Syndrome; Neoplastic Syndromes, Hereditary; Tumor predisposition; Hereditary neoplastic syndrome. Identifiers: Orphanet 140162, MedGen C0027672, MeSH D009386, MONDO:0015356.
Melanoma, cutaneous malignant, susceptibility to, 8. Also called: MELANOMA AND RENAL CELL CARCINOMA, SUSCEPTIBILITY TO; Cutaneous malignant melanoma 8. Identifiers: Orphanet 293822, MedGen C3152204, MONDO:0013759, OMIM 614456.
Tietz syndrome (TADS). Also called: ALBINISM-DEAFNESS OF TIETZ; HYPOPIGMENTATION/DEAFNESS OF TIETZ; TIETZ ALBINISM-DEAFNESS SYNDROME. Identifiers: Orphanet 42665, MedGen C0391816, MONDO:0007077, OMIM 103500.
Waardenburg syndrome type 2A (WS2A). Also called: WAARDENBURG SYNDROME WITHOUT DYSTOPIA CANTHORUM. Identifiers: Orphanet 3440, MedGen C1860339, MONDO:0008671, OMIM 193510.

gnomAD v4.1: 3 of 1,613,464 alleles (0.00019%); highest among the groups gnomAD compares: Non-Finnish European, 0.00025%; no homozygotes.

Submissions (2):

Ambry Genetics
Classification: Uncertain significance for Hereditary cancer-predisposing syndrome. Last evaluated: 2026-02-16. Review status: criteria provided, single submitter. Criteria: Ambry Variant Classification Scheme 2023. Collection method: clinical testing. Allele origin: germline.
Comment: The p.P179A variant (also known as c.535C>G), located in coding exon 5 of the MITF gene, results from a C to G substitution at nucleotide position 535. The proline at codon 179 is replaced by alanine, an amino acid with highly similar properties. This amino acid position is conserved. In addition, this alteration is predicted to be tolerated by in silico analysis. Based on the available evidence, the clinical significance of this variant remains unclear.

Labcorp Genetics (formerly Invitae), Labcorp
Classification: Uncertain significance for Melanoma, cutaneous malignant, susceptibility to, 8; Waardenburg syndrome type 2A; Tietz syndrome. Last evaluated: 2025-09-18. Review status: criteria provided, single submitter. Criteria: Invitae Variant Classification Sherloc (09022015). Collection method: clinical testing. Allele origin: germline.
Comment: This sequence change replaces proline, which is neutral and non-polar, with alanine, which is neutral and non-polar, at codon 179 of the MITF protein (p.Pro179Ala). This variant is not present in population databases (gnomAD no frequency). This variant has not been reported in the literature in individuals affected with MITF-related conditions. ClinVar contains an entry for this variant (Variation ID: 3753920). Invitae Evidence Modeling of protein sequence and biophysical properties (such as structural, functional, and spatial information, amino acid conservation, physicochemical variation, residue mobility, and thermodynamic stability) indicates that this missense variant is not expected to disrupt MITF protein function with a negative predictive value of 80%. In summary, the available evidence is currently insufficient to determine the role of this variant in disease. Therefore, it has been classified as a Variant of Uncertain Significance.